The following is an entry in ClinVar:

NM_000548.5(TSC2):c.2599A>G (p.Ser867Gly)

Gene: TSC2 (TSC complex subunit 2; plus strand). Cytogenetic location: 16p13.3.
Variant type: single nucleotide variant.
Coding change: c.2599A>G on transcript NM_000548.5 (MANE Select); coding-DNA position 2599, A replaced by G.
Protein change: p.Ser867Gly; replaces serine 867 with glycine.
Molecular consequence: missense variant.
Genome position (GRCh38, 1-based): chr16:2,075,852, A>G. VCF-style: chr16-2075852-A-G. GRCh37 (hg19) VCF-style: chr16-2125853-A-G.
Other names: c.2599A>G, p.Ser867Gly (NM_001370405.1, NM_001077183.3, NM_001114382.3 and 3 more transcripts); c.2488A>G, p.Ser830Gly (NM_001318827.2); c.2452A>G, p.Ser818Gly (NM_001318829.2); c.1999A>G, p.Ser667Gly (NM_001318831.2); c.2632A>G, p.Ser878Gly (NM_001318832.2); short protein forms S667G, S830G, S818G, S867G, S878G.
Identifiers: ClinVar variation 659244 (VCV000659244.8), dbSNP rs1596365202, ClinGen allele CA394278408.

ClinVar aggregate classification (germline): Uncertain significance (1 of 4 stars; one submission).

Conditions:
Tuberous sclerosis 2 (TSC2). Identifiers: Orphanet 805, MedGen C1860707, MONDO:0013199, OMIM 613254.

Submission:

Labcorp Genetics (formerly Invitae), Labcorp
Classification: Uncertain significance for Tuberous sclerosis 2. Last evaluated: 2025-06-22. Review status: criteria provided, single submitter. Criteria: Invitae Variant Classification Sherloc (09022015). Collection method: clinical testing. Allele origin: germline.
Comment: This sequence change replaces serine, which is neutral and polar, with glycine, which is neutral and non-polar, at codon 867 of the TSC2 protein (p.Ser867Gly). This variant is not present in population databases (gnomAD no frequency). This variant has not been reported in the literature in individuals affected with TSC2-related conditions. ClinVar contains an entry for this variant (Variation ID: 659244). Invitae Evidence Modeling of protein sequence and biophysical properties (such as structural, functional, and spatial information, amino acid conservation, physicochemical variation, residue mobility, and thermodynamic stability) indicates that this missense variant is not expected to disrupt TSC2 protein function with a negative predictive value of 95%. In summary, the available evidence is currently insufficient to determine the role of this variant in disease. Therefore, it has been classified as a Variant of Uncertain Significance.